The following is an entry in ClinVar:

ClinVar aggregate classification (germline): Uncertain significance (1 of 4 stars; one submission).

Submission:

GeneDx
Classification: Uncertain significance. Last evaluated: 2025-04-03. Review status: criteria provided, single submitter. Criteria: GeneDx Variant Classification Process June 2021. Collection method: clinical testing. Allele origin: germline. Affected: yes.
Comment: Not observed at significant frequency in large population cohorts (gnomAD); In silico analysis supports that this missense variant has a deleterious effect on protein structure/function; Has not been previously published as pathogenic or benign to our knowledge

NM_003709.4(KLF7):c.745T>C (p.Tyr249His)

Gene: KLF7 (KLF transcription factor 7; minus strand). Cytogenetic location: 2q33.3.
Variant type: single nucleotide variant.
Coding change: c.745T>C on transcript NM_003709.4 (MANE Select); coding-DNA position 745, T replaced by C.
Protein change: p.Tyr249His; replaces tyrosine 249 with histidine.
Molecular consequence: missense variant. On other transcripts: synonymous variant (2), non-coding transcript variant (1).
Genome position (GRCh38, 1-based): chr2:207,088,570, A>G on the plus strand (T>C on the coding strand, the complement: KLF7 is on the minus strand). VCF-style: chr2-207088570-A-G. GRCh37 (hg19) VCF-style: chr2-207953294-A-G.
Other names: c.543T>C, p.Leu181= (NM_001270942.1, NM_001438026.1); c.646T>C, p.Tyr216His (NM_001270943.2); c.661T>C, p.Tyr221His (NM_001270944.2); short protein forms Y216H, Y221H, Y249H.
Identifiers: ClinVar variation 4278509 (VCV004278509.1).